The following is an entry in ClinVar:

ClinVar aggregate classification (germline): Benign/Likely benign. Review status: criteria provided, multiple submitters, no conflicts (2 of 4 stars). 12 submissions from 12 submitters: Benign (7); Likely benign (1). 4 of the submissions do not count toward it. Last evaluated 2026-02-03.

Conditions:
Inborn genetic diseases. Identifiers: MedGen C0950123, MeSH D030342.
Hypogonadotropic hypogonadism 5 with or without anosmia (KAL5). Also called: CHD7-Related GnRH Deficiency (Kallmann Syndrome 5); HYPOGONADOTROPIC HYPOGONADISM 5 WITH ANOSMIA; HYPOGONADOTROPHIC HYPOGONADISM 5 WITHOUT ANOSMIA. Identifiers: Orphanet 478, MedGen C3552553, MONDO:0012880, OMIM 612370. Disease mechanism: loss of function.
CHARGE syndrome (CHARGE). Also called: CHARGE ASSOCIATION--COLOBOMA, HEART ANOMALY, CHOANAL ATRESIA, RETARDATION, GENITAL AND EAR ANOMALIES; Hittner Hirsch Kreh syndrome; Coloboma, heart anomaly, choanal atresia, retardation, genital and ear anomalies; CHARGE association; Hall-Hittner syndrome. Identifiers: Orphanet 138, MedGen C0265354, MONDO:0008965.

Allele frequency attached by ClinVar (database versions not stated): gnomAD 0.00881 and 0.00821; 1000 Genomes Project 30x 0.00999; gnomAD exomes 0.00196 and 0.00072; TOPMed 0.00887; ESP Exome Variant Server 0.00757; ExAC 0.00236; 1000 Genomes Project 0.00919.
gnomAD v4.1: 2,344 of 1,613,958 alleles (0.15%); highest among the groups gnomAD compares: African/African-American, 2.8%; 34 homozygotes.

Submissions (12):

Labcorp Genetics (formerly Invitae), Labcorp
Classification: Benign for CHARGE syndrome. Last evaluated: 2026-02-03. Review status: criteria provided, single submitter. Criteria: Invitae Variant Classification Sherloc (09022015). Collection method: clinical testing. Allele origin: germline.

Illumina Laboratory Services, Illumina
Classification: Benign for Kallmann Syndrome 5. Last evaluated: 2018-01-13. Review status: criteria provided, single submitter. Criteria: ICSL Variant Classification Criteria 13 December 2019. Collection method: clinical testing. Allele origin: germline.
Comment: This variant was observed in the ICSL laboratory as part of a predisposition screen in an ostensibly healthy population. It had not been previously curated by ICSL or reported in the Human Gene Mutation Database (HGMD: prior to June 1st, 2018), and was therefore a candidate for classification through an automated scoring system. Utilizing variant allele frequency, disease prevalence and penetrance estimates, and inheritance mode, an automated score was calculated to assess if this variant is too frequent to cause the disease. Based on the score and internal cut-off values, a variant classified as benign is not then subjected to further curation. The score for this variant resulted in a classification of benign for this disease.

Laboratory for Molecular Medicine, Mass General Brigham Personalized Medicine
Classification: Benign. Last evaluated: 2017-08-23. Review status: criteria provided, single submitter. Criteria: LMM Criteria. Collection method: clinical testing. Allele origin: germline. Observed: 1 variant allele.
Comment: p.Gly219Gly in exon 2 of CHD7: This variant is not expected to have clinical sig nificance because it does not alter an amino acid residue, is not located within the splice consensus sequence, and has been identified in 2.73% (267/9782) of A frican chromosomes by the Exome Aggregation Consortium (ExAC; dbSNP rs113483301).

Ambry Genetics
Classification: Benign for Inborn genetic diseases. Last evaluated: 2016-07-01. Review status: criteria provided, single submitter. Criteria: Ambry Variant Classification Scheme 2023. Collection method: clinical testing. Allele origin: germline.

Women's Health and Genetics/Laboratory Corporation of America, LabCorp
Classification: Benign. Last evaluated: 2016-06-27. Review status: criteria provided, single submitter. Criteria: LabCorp Variant Classification Summary - May 2015. Collection method: clinical testing. Allele origin: germline.
Comment: Variant summary: The CHD7 c.657C>T (p.Gly219Gly) variant involves the alteration of a conserved nucleotide, resulting in a synonymous change. One in silico tool predicts a damaging outcome for this variant and 4/5 slice site tools predict the variant not to have an impact on normal splicing. This variant was found in 285/120590 control chromosomes (9 homozygotes), predominantly observed in the African subpopulation at a frequency of 0.027295 (267/9782). This frequency is about 21836 times the estimated maximal expected allele frequency of a pathogenic CHD7 variant (0.0000013), highly suggesting this is a benign polymorphism found primarily in the populations of African origin. The variant was identified in at least one African American atypical CHARGE syndrome case reported in the literature without providing evidence of causality (ie. functional studies on the variant or co-segregation with disease). A clinical diagnostic laboratory and a publication classify the variant as benign (Bartels_GTMB_2010). Taken together and based on the synonymous nature of the variant and its high allele frequency in the general population, this variant was classified as Benign.

GeneDx
Classification: Benign. Last evaluated: 2015-03-03. Review status: criteria provided, single submitter. Criteria: GeneDx Variant Classification Process June 2021. Collection method: clinical testing. Allele origin: germline. Affected: yes.

Eurofins Ntd Llc (ga)
Classification: Benign. Last evaluated: 2014-10-28. Review status: criteria provided, single submitter. Criteria: EGL Classification Definitions 2015. Collection method: clinical testing. Allele origin: germline. Observed: 5 variant alleles, 5 heterozygotes.

PreventionGenetics, part of Exact Sciences
Classification: Likely benign. Review status: criteria provided, single submitter. Criteria: ACMG Guidelines, 2015. Collection method: clinical testing. Allele origin: germline.

Genetic Services Laboratory, University of Chicago
Classification: Benign for CHARGE association. Last evaluated: 2013-02-08. Review status: no assertion criteria provided. Collection method: clinical testing. Allele origin: germline. Affected: yes. Not counted in ClinVar's aggregate classification.

Clinical Genetics DNA and cytogenetics Diagnostics Lab, Erasmus MC, Erasmus Medical Center
Classification: Benign. Review status: no assertion criteria provided. Collection method: clinical testing. Allele origin: germline. Affected: yes. Study: VKGL Data-share Consensus. Not counted in ClinVar's aggregate classification.

Clinical Genetics, Academic Medical Center
Classification: Benign. Review status: no assertion criteria provided. Collection method: clinical testing. Allele origin: germline. Affected: yes. Study: VKGL Data-share Consensus. Not counted in ClinVar's aggregate classification.

Joint Genome Diagnostic Labs from Nijmegen and Maastricht, Radboudumc and MUMC+
Classification: Benign. Review status: no assertion criteria provided. Collection method: clinical testing. Allele origin: germline. Affected: yes. Study: VKGL Data-share Consensus. Not counted in ClinVar's aggregate classification.

Literature cited by the submitters: PubMed 21995344 (cited by Women's Health and Genetics/Laboratory Corporation of America, LabCorp); PubMed 22461308 (cited by Women's Health and Genetics/Laboratory Corporation of America, LabCorp); PubMed 21158681 (cited by Women's Health and Genetics/Laboratory Corporation of America, LabCorp).

NM_017780.4(CHD7):c.657C>T (p.Gly219=)

Gene: CHD7 (chromodomain helicase DNA binding protein 7; plus strand). Cytogenetic location: 8q12.2.
Variant type: single nucleotide variant.
Coding change: c.657C>T on transcript NM_017780.4 (MANE Select); coding-DNA position 657, C replaced by T.
Protein change: p.Gly219=; no amino-acid change (glycine 219 retained).
Molecular consequence: synonymous variant.
Genome position (GRCh38, 1-based): chr8:60,742,089, C>T. VCF-style: chr8-60742089-C-T. GRCh37 (hg19) VCF-style: chr8-61654648-C-T.
Other names: c.657C>T, p.(=) (LRG_176t1); c.657C>T, p.Gly219= (NM_001316690.1).
Identifiers: ClinVar variation 95805 (VCV000095805.41), dbSNP rs113483301, ClinGen allele CA148879.
Genomic context (GRCh38, chr8:60,742,089, plus strand): 5'-CATGCAGCAGCATGGTCAGCCACAGCAGAGGATGAGCCAGTTTTCCCAAGGCCAAGAGGG[C>T]CTCAATCAGGGAAATCCTTTTATTGCCACCTCAGGACCTGGCCACTTGTCCCACGTGCCC-3'
Protein context (NP_060250.2, residues 209-229): RMSQFSQGQE[Gly219=]LNQGNPFIAT